The following is an entry in ClinVar:

ClinVar aggregate classification (germline): Uncertain significance (1 of 4 stars; one submission).

Conditions:
Pitt-Hopkins-like syndrome 2 (PTHSL2). Identifiers: Orphanet 221150, Orphanet 600663, MedGen C3280479, MONDO:0013690, OMIM 614325.

Submission:

Labcorp Genetics (formerly Invitae), Labcorp
Classification: Uncertain significance for Pitt-Hopkins-like syndrome 2. Last evaluated: 2023-07-14. Review status: criteria provided, single submitter. Criteria: Invitae Variant Classification Sherloc (09022015). Collection method: clinical testing. Allele origin: germline.
Comment: In summary, the available evidence is currently insufficient to determine the role of this variant in disease. Therefore, it has been classified as a Variant of Uncertain Significance. An algorithm developed to predict the effect of missense changes on protein structure and function (PolyPhen-2) suggests that this variant is likely to be tolerated. This variant has not been reported in the literature in individuals affected with NRXN1-related conditions. This variant is not present in population databases (gnomAD no frequency). This sequence change replaces threonine, which is neutral and polar, with isoleucine, which is neutral and non-polar, at codon 636 of the NRXN1 protein (p.Thr636Ile).

NM_001330078.2(NRXN1):c.1787C>T (p.Thr596Ile)

Gene: NRXN1 (neurexin 1; minus strand). Cytogenetic location: 2p16.3.
Variant type: single nucleotide variant.
Coding change: c.1787C>T on transcript NM_001330078.2 (MANE Select); coding-DNA position 1787, C replaced by T.
Protein change: p.Thr596Ile; replaces threonine 596 with isoleucine.
Molecular consequence: missense variant.
Genome position (GRCh38, 1-based): chr2:50,538,609, G>A on the plus strand (C>T on the coding strand, the complement: NRXN1 is on the minus strand). VCF-style: chr2-50538609-G-A. GRCh37 (hg19) VCF-style: chr2-50765747-G-A.
Other names: c.1907C>T, p.Thr636Ile (NM_001135659.3); c.1763C>T, p.Thr588Ile (NM_001330077.2, NM_001330082.2, NM_001330095.2); c.1748C>T, p.Thr583Ile (NM_001330083.2, NM_001330084.2); c.1787C>T, p.Thr596Ile (NM_001330085.2, NM_001330086.2, NM_004801.6); c.1703C>T, p.Thr568Ile (NM_001330087.2, NM_001330096.2); c.1733C>T, p.Thr578Ile (NM_001330088.2); c.1784C>T, p.Thr595Ile (NM_001330093.2); c.1775C>T, p.Thr592Ile (NM_001330094.2); short protein forms T578I, T592I, T595I, T568I, T583I, T588I, T596I, T636I.
Identifiers: ClinVar variation 2999929 (VCV002999929.3), dbSNP rs2465670604, ClinGen allele CA346771425.
Genomic context (GRCh38, chr2:50,538,609, plus strand): 5'-CCCAGGTACAACTCATCATCCAGGTCCAGAATCTCACTCTCACCAGGAGCAGTGTAGGGA[G>A]TACGCAACGTGTTGACAGAAATGGTACCTATTTCAAAGAGAGGAGAATGCACAGGTCTTT-3'
Protein context (NP_001317007.1, residues 586-606): SGTISVNTLR[Thr596Ile]PYTAPGESEI